The following is an entry in ClinVar:

ClinVar aggregate classification (germline): Pathogenic (1 of 4 stars; one submission).

gnomAD v4.1: 85 of 1,613,512 alleles (0.0053%); highest among the groups gnomAD compares: Non-Finnish European, 0.0064%; no homozygotes.

Submission:

Labcorp Genetics (formerly Invitae), Labcorp
Classification: Pathogenic. Last evaluated: 2026-01-04. Review status: criteria provided, single submitter. Criteria: Invitae Variant Classification Sherloc (09022015). Collection method: clinical testing. Allele origin: germline.
Comment: This sequence change replaces threonine, which is neutral and polar, with asparagine, which is neutral and polar, at codon 1433 of the CPAMD8 protein (p.Thr1433Asn). This variant is present in population databases (rs200927278, gnomAD 0.004%). This missense change has been observed in individual(s) with autosomal recessive CPAMD8-related conditions (PMID: 32085876, 38755526). In at least one individual the data is consistent with being in trans (on the opposite chromosome) from a pathogenic variant. It has also been observed to segregate with disease in related individuals. This variant is also known as c.4157C>A (p.Thr1386Asn). An algorithm developed to predict the effect of missense changes on protein structure and function (PolyPhen-2) suggests that this variant is likely to be disruptive. For these reasons, this variant has been classified as Pathogenic.

Literature cited by the submitters: PubMed 32085876; PubMed 38755526.

NM_015692.5(CPAMD8):c.4157C>A (p.Thr1386Asn)

Gene: CPAMD8 (C3 and PZP like alpha-2-macroglobulin domain containing 8; minus strand). Cytogenetic location: 19p13.11.
Variant type: single nucleotide variant.
Coding change: c.4157C>A on transcript NM_015692.5 (MANE Select); coding-DNA position 4157, C replaced by A.
Protein change: p.Thr1386Asn; replaces threonine 1386 with asparagine.
Molecular consequence: missense variant.
Genome position (GRCh38, 1-based): chr19:16,904,320, G>T on the plus strand (C>A on the coding strand, the complement: CPAMD8 is on the minus strand). VCF-style: chr19-16904320-G-T. GRCh37 (hg19) VCF-style: chr19-17015130-G-T.
Other names: short protein forms T1386N.
Identifiers: ClinVar variation 4738944 (VCV004738944.1).